The following is an entry in ClinVar:

NM_172231.4(SUGP1):c.1282C>A (p.Pro428Thr)

Gene: SUGP1 (SURP and G-patch domain containing 1; minus strand). Cytogenetic location: 19p13.11.
Variant type: single nucleotide variant.
Coding change: c.1282C>A on transcript NM_172231.4 (MANE Select); coding-DNA position 1282, C replaced by A.
Protein change: p.Pro428Thr; replaces proline 428 with threonine.
Molecular consequence: missense variant.
Genome position (GRCh38, 1-based): chr19:19,280,253, G>T on the plus strand (C>A on the coding strand, the complement: SUGP1 is on the minus strand). VCF-style: chr19-19280253-G-T. GRCh37 (hg19) VCF-style: chr19-19391062-G-T.
Other names: short protein forms P428T.
Identifiers: ClinVar variation 392685 (VCV000392685.2), dbSNP rs1057524594, ClinGen allele CA16608983.

ClinVar aggregate classification (germline): Uncertain significance (1 of 4 stars; one submission).

Submission:

GeneDx
Classification: Uncertain significance. Last evaluated: 2017-01-19. Review status: criteria provided, single submitter. Criteria: GeneDx Variant Classification (06012015). Collection method: clinical testing. Allele origin: germline. Affected: yes.
Comment: The P428T variant in the SUGP1 gene has not been reported previously as a pathogenic variant, nor as a benign variant, to our knowledge. The P428T variant was not observed in approximately 6500 individuals of European and African American ancestry in the NHLBI Exome Sequencing Project, indicating it is not a common benign variant in these populations. The P428T variant is a non-conservative amino acid substitution, which is likely to impact secondary protein structure as these residues differ in polarity, charge, size and/or other properties. This substitution occurs at a position that is conserved across species. In silico analysis is inconsistent in its predictions as to whether or not the variant is damaging to the protein structure/function. We interpret P428T as a variant of uncertain significance.